The following is an entry in ClinVar:

ClinVar aggregate classification (germline): Uncertain significance. Review status: criteria provided, multiple submitters, no conflicts (2 of 4 stars). 3 submissions from 3 submitters: Uncertain significance (3). Last evaluated 2026-06-30.

Conditions:
Drash syndrome (DDS). Also called: NEPHROPATHY, WILMS TUMOR, AND GENITAL ANOMALIES; WILMS TUMOR AND PSEUDO- OR TRUE HERMAPHRODITISM. Identifiers: Orphanet 220, MedGen C0950121, MONDO:0008682, OMIM 194080.
Frasier syndrome. Identifiers: Orphanet 347, MedGen C0950122, MeSH D052159, MONDO:0007635, OMIM 136680.
Wilms tumor 1 (WT1). Also called: Wilms tumor, somatic. Identifiers: Orphanet 654, MedGen CN033288, MONDO:0008679, OMIM 194070.
11p partial monosomy syndrome (WAGR). Also called: CHROMOSOME 11p13 DELETION SYNDROME; WAGR Spectrum Disorder; WAGR syndrome; WAGR Complex. Identifiers: Orphanet 893, MedGen C0206115, MONDO:0008681, OMIM 194072.
Inborn genetic diseases. Identifiers: MedGen C0950123, MeSH D030342.

Allele frequency attached by ClinVar (database versions not stated): gnomAD 0.00001; 1000 Genomes Project 30x 0.00016; 1000 Genomes Project 0.00020.
gnomAD v4.1: 1 of 1,536,862 alleles (0.000065%); highest among the groups gnomAD compares: African/African-American, 0.0014%; no homozygotes.

Submissions (3):

Ambry Genetics
Classification: Uncertain significance for Inborn genetic diseases. Last evaluated: 2026-06-30. Review status: criteria provided, single submitter. Criteria: Ambry Variant Classification Scheme 2023. Collection method: clinical testing. Allele origin: germline.
Comment: The p.P126T variant (also known as c.376C>A), located in coding exon 1 of the WT1 gene, results from a C to A substitution at nucleotide position 376. The proline at codon 126 is replaced by threonine, an amino acid with highly similar properties. This amino acid position is highly conserved in available vertebrate species. In addition, this alteration is predicted to be tolerated by in silico analysis. Based on the available evidence, the clinical significance of this variant remains unclear.

Baylor Genetics
Classification: Uncertain significance for Drash syndrome. Last evaluated: 2023-10-24. Review status: criteria provided, single submitter. Criteria: ACMG Guidelines, 2015. Collection method: clinical testing. Allele origin: unknown.

Labcorp Genetics (formerly Invitae), Labcorp
Classification: Uncertain significance for Wilms tumor 1; Drash syndrome; 11p partial monosomy syndrome; Frasier syndrome. Last evaluated: 2022-09-19. Review status: criteria provided, single submitter. Criteria: Invitae Variant Classification Sherloc (09022015). Collection method: clinical testing. Allele origin: germline.
Comment: In summary, the available evidence is currently insufficient to determine the role of this variant in disease. Therefore, it has been classified as a Variant of Uncertain Significance. Algorithms developed to predict the effect of missense changes on protein structure and function are either unavailable or do not agree on the potential impact of this missense change (SIFT: "Tolerated"; PolyPhen-2: "Probably Damaging"; Align-GVGD: "Class C0"). This variant has not been reported in the literature in individuals affected with WT1-related conditions. This variant is not present in population databases (gnomAD no frequency). This sequence change replaces proline, which is neutral and non-polar, with threonine, which is neutral and polar, at codon 126 of the WT1 protein (p.Pro126Thr).

NM_024426.6(WT1):c.391C>A (p.Pro131Thr)

Genes: WT1 (WT1 transcription factor; minus strand), LOC107982234 (WT1/WT1-AS bi-directional promoter region; plus strand). Cytogenetic location: 11p13.
Variant type: single nucleotide variant.
Coding change: c.391C>A on transcript NM_024426.6 (MANE Select); coding-DNA position 391, C replaced by A.
Protein change: p.Pro131Thr; replaces proline 131 with threonine.
Molecular consequence: missense variant. On other transcripts: non-coding transcript variant (1).
Genome position (GRCh38, 1-based): chr11:32,434,970, G>T on the plus strand (C>A on the coding strand, the complement: WT1 is on the minus strand). VCF-style: chr11-32434970-G-T. GRCh37 (hg19) VCF-style: chr11-32456516-G-T.
Other names: c.391C>A, p.Pro131Thr (NM_000378.6, NM_001407044.1, NM_001407045.1 and 6 more transcripts); c.376C>A, p.Pro126Thr (NM_024425.2); c.376C>A (NM_024426.4); short protein forms P126T, P131T.
Identifiers: ClinVar variation 1719758 (VCV001719758.8), dbSNP rs564706633, ClinGen allele CA219511089.